The following is an entry in ClinVar:

ClinVar aggregate classification (germline): Uncertain significance. Review status: criteria provided, multiple submitters, no conflicts (2 of 4 stars). 3 submissions from 3 submitters: Uncertain significance (3). Last evaluated 2025-10-30.

Conditions:
Familial thoracic aortic aneurysm and aortic dissection (TAAD). Also called: Thoracic aortic aneurysms and dissections. Identifiers: Orphanet 91387, MedGen C4707243, MONDO:0019625.
Aortic aneurysm, familial thoracic 6 (AAT6). Also called: FAMILIAL THORACIC AORTIC ANEURYSM WITH LIVEDO RETICULARIS AND IRIS FLOCCULI. Identifiers: MedGen C2673186, MONDO:0012730, OMIM 611788.

Allele frequency attached by ClinVar (database versions not stated): gnomAD exomes below 0.00001; TOPMed below 0.00001; ExAC 0.00001; gnomAD 0.00001; 1000 Genomes Project 30x 0.00016; 1000 Genomes Project 0.00020.

Submissions (3):

Ambry Genetics
Classification: Uncertain significance for Familial thoracic aortic aneurysm and aortic dissection. Last evaluated: 2025-10-30. Review status: criteria provided, single submitter. Criteria: Ambry Variant Classification Scheme 2023. Collection method: clinical testing. Allele origin: germline.
Comment: The p.D313N variant (also known as c.937G>A), located in coding exon 7 of the ACTA2 gene, results from a G to A substitution at nucleotide position 937. The aspartic acid at codon 313 is replaced by asparagine, an amino acid with highly similar properties. This amino acid position is highly conserved in available vertebrate species. In addition, the in silico prediction for this alteration is inconclusive. Based on the available evidence, the clinical significance of this variant remains unclear.

Labcorp Genetics (formerly Invitae), Labcorp
Classification: Uncertain significance for Aortic aneurysm, familial thoracic 6. Last evaluated: 2025-07-22. Review status: criteria provided, single submitter. Criteria: Invitae Variant Classification Sherloc (09022015). Collection method: clinical testing. Allele origin: germline.
Comment: This sequence change replaces aspartic acid, which is acidic and polar, with asparagine, which is neutral and polar, at codon 313 of the ACTA2 protein (p.Asp313Asn). This variant is not present in population databases (gnomAD no frequency). This variant has not been reported in the literature in individuals affected with ACTA2-related conditions. ClinVar contains an entry for this variant (Variation ID: 802616). Invitae Evidence Modeling of protein sequence and biophysical properties (such as structural, functional, and spatial information, amino acid conservation, physicochemical variation, residue mobility, and thermodynamic stability) indicates that this missense variant is not expected to disrupt ACTA2 protein function with a negative predictive value of 80%. In summary, the available evidence is currently insufficient to determine the role of this variant in disease. Therefore, it has been classified as a Variant of Uncertain Significance.

Mendelics
Classification: Uncertain significance for Aortic aneurysm, familial thoracic 6. Last evaluated: 2019-05-28. Review status: criteria provided, single submitter. Criteria: Mendelics Assertion Criteria 2017. Collection method: clinical testing. Allele origin: unknown.

NM_001613.4(ACTA2):c.937G>A (p.Asp313Asn)

Genes: ACTA2 (actin alpha 2, smooth muscle; minus strand), ACTA2-AS1 (ACTA2 antisense RNA 1; plus strand). Cytogenetic location: 10q23.31.
Variant type: single nucleotide variant.
Coding change: c.937G>A on transcript NM_001613.4 (MANE Select); coding-DNA position 937, G replaced by A.
Protein change: p.Asp313Asn; replaces aspartic acid 313 with asparagine.
Molecular consequence: missense variant.
Genome position (GRCh38, 1-based): chr10:88,938,114, C>T on the plus strand (G>A on the coding strand, the complement: ACTA2 is on the minus strand). VCF-style: chr10-88938114-C-T. GRCh37 (hg19) VCF-style: chr10-90697871-C-T.
Other names: c.937G>A, p.Asp313Asn (NM_001141945.3, NM_001320855.2, NM_001406462.1 and 2 more transcripts); c.826G>A, p.Asp276Asn (NM_001406466.1); c.808G>A, p.Asp270Asn (NM_001406467.1, NM_001406468.1, NM_001406469.1); c.745G>A, p.Asp249Asn (NM_001406471.1); short protein forms D313N, D249N, D270N, D276N.
Identifiers: ClinVar variation 802616 (VCV000802616.4), dbSNP rs201981018, ClinGen allele CA029972.